The following is an entry in ClinVar:

ClinVar aggregate classification (germline): Uncertain significance (1 of 4 stars; one submission).

Conditions:
IFT172-related disorder. Also called: IFT172-related condition; IFT172-related disorders.

Submission:

PreventionGenetics, part of Exact Sciences
Classification: Uncertain significance for IFT172-related condition. Last evaluated: 2025-12-28. Review status: criteria provided, single submitter. Criteria: ACMG Guidelines, 2015. Collection method: clinical testing. Allele origin: germline.
Comment: The IFT172 c.2297G>C variant is predicted to result in the amino acid substitution p.Gly766Ala. To our knowledge, this variant has not been reported in the literature or in a large population database (gnomAD), indicating this variant is rare. At this time, the clinical significance of this variant is uncertain due to the absence of conclusive functional and genetic evidence.

NM_015662.3(IFT172):c.2297G>C (p.Gly766Ala)

Gene: IFT172 (intraflagellar transport 172; minus strand). Cytogenetic location: 2p23.3.
Variant type: single nucleotide variant.
Coding change: c.2297G>C on transcript NM_015662.3 (MANE Select); coding-DNA position 2297, G replaced by C.
Protein change: p.Gly766Ala; replaces glycine 766 with alanine.
Molecular consequence: missense variant.
Genome position (GRCh38, 1-based): chr2:27,461,414, C>G on the plus strand (G>C on the coding strand, the complement: IFT172 is on the minus strand). VCF-style: chr2-27461414-C-G. GRCh37 (hg19) VCF-style: chr2-27684281-C-G.
Other names: c.2231G>C, p.Gly744Ala (NM_001410739.1); short protein forms G744A, G766A.
Identifiers: ClinVar variation 4978175 (VCV004978175.1).